The following is an entry in ClinVar:

NM_000038.6(APC):c.136-230C>A

Gene: APC (APC regulator of WNT signaling pathway; plus strand). Cytogenetic location: 5q22.2.
Variant type: single nucleotide variant.
Coding change: c.136-230C>A on transcript NM_000038.6 (MANE Select); 230 bases into the intron before coding-DNA position 136, C replaced by A.
Molecular consequence: intron variant.
Genome position (GRCh38, 1-based): chr5:112,766,096, C>A. VCF-style: chr5-112766096-C-A. GRCh37 (hg19) VCF-style: chr5-112101793-C-A.
Other names: c.136-230C>A (NM_001354895.2, NM_001127510.3, NM_001354896.2 and 2 more transcripts); c.166-230C>A (NM_001354897.2, NM_001354902.2, NM_001127511.3); c.61-230C>A (NM_001354898.2, NM_001354904.2); c.-900-230C>A (NM_001354906.2); c.-42-230C>A (NM_001354900.2, NM_001354901.2, NM_001354905.2).
Identifiers: ClinVar variation 82871 (VCV000082871.5), dbSNP rs2464805, ClinGen allele CA004577.

ClinVar aggregate classification (germline): Benign. Review status: criteria provided, single submitter (1 of 4 stars). 2 submissions from 2 submitters: Benign (1). 1 of the submissions does not count toward it. Last evaluated 2018-06-22.

Conditions:
Familial colorectal cancer. Identifiers: MedGen CN280943, MONDO:0023113. Disease mechanism: loss of function.

Allele frequency attached by ClinVar (database versions not stated): gnomAD 0.65666 and 0.66237; TOPMed 0.67997; 1000 Genomes Project 30x 0.73579; 1000 Genomes Project 0.73782.
gnomAD v4.1: 100,563 of 151,850 alleles (66%); highest among the groups gnomAD compares: East Asian, 87%; 33,671 homozygotes.

Submissions (2):

GeneDx
Classification: Benign. Last evaluated: 2018-06-22. Review status: criteria provided, single submitter. Criteria: GeneDx Variant Classification Process June 2021. Collection method: clinical testing. Allele origin: germline. Affected: yes.

Systems Biology Platform Zhejiang California International NanoSystems Institute
Classification: other for Familial colorectal cancer. Review status: no assertion criteria provided. Collection method: not provided. Allele origin: unknown. Not counted in ClinVar's aggregate classification.
ClinVar note: Converted during submission from cancer to other.